The following is an entry in ClinVar:

ClinVar aggregate classification (germline): Uncertain significance (1 of 4 stars; one submission).

Allele frequency attached by ClinVar (database versions not stated): gnomAD 0.00001.
gnomAD v4.1: 1 of 1,613,804 alleles (0.000062%); highest among the groups gnomAD compares: East Asian, 0.0022%; no homozygotes.

Submission:

Labcorp Genetics (formerly Invitae), Labcorp
Classification: Uncertain significance. Last evaluated: 2024-11-07. Review status: criteria provided, single submitter. Criteria: Invitae Variant Classification Sherloc (09022015). Collection method: clinical testing. Allele origin: germline.
Comment: This sequence change replaces aspartic acid, which is acidic and polar, with tyrosine, which is neutral and polar, at codon 42 of the TPP1 protein (p.Asp42Tyr). This variant is present in population databases (no rsID available, gnomAD 0.06%). This variant has not been reported in the literature in individuals affected with TPP1-related conditions. ClinVar contains an entry for this variant (Variation ID: 860859). Invitae Evidence Modeling of protein sequence and biophysical properties (such as structural, functional, and spatial information, amino acid conservation, physicochemical variation, residue mobility, and thermodynamic stability) has been performed for this missense variant. However, the output from this modeling did not meet the statistical confidence thresholds required to predict the impact of this variant on TPP1 protein function. In summary, the available evidence is currently insufficient to determine the role of this variant in disease. Therefore, it has been classified as a Variant of Uncertain Significance.

NM_000391.4(TPP1):c.124G>T (p.Asp42Tyr)

Gene: TPP1 (tripeptidyl peptidase 1; minus strand). Cytogenetic location: 11p15.4.
Variant type: single nucleotide variant.
Coding change: c.124G>T on transcript NM_000391.4 (MANE Select); coding-DNA position 124, G replaced by T.
Protein change: p.Asp42Tyr; replaces aspartic acid 42 with tyrosine.
Molecular consequence: missense variant.
Genome position (GRCh38, 1-based): chr11:6,618,881, C>A on the plus strand (G>T on the coding strand, the complement: TPP1 is on the minus strand). VCF-style: chr11-6618881-C-A. GRCh37 (hg19) VCF-style: chr11-6640112-C-A.
Other names: short protein forms D42Y.
Identifiers: ClinVar variation 860859 (VCV000860859.7), dbSNP rs1231987689, ClinGen allele CA379476851.